The following is an entry in ClinVar:

NM_032242.4(PLXNA1):c.2701C>T (p.Arg901Cys)

Gene: PLXNA1 (plexin A1; plus strand). Cytogenetic location: 3q21.3.
Variant type: single nucleotide variant.
Coding change: c.2701C>T on transcript NM_032242.4 (MANE Select); coding-DNA position 2701, C replaced by T.
Protein change: p.Arg901Cys; replaces arginine 901 with cysteine.
Molecular consequence: missense variant.
Genome position (GRCh38, 1-based): chr3:127,014,574, C>T. VCF-style: chr3-127014574-C-T. GRCh37 (hg19) VCF-style: chr3-126733417-C-T.
Other names: short protein forms R901C.
Identifiers: ClinVar variation 4998425 (VCV004998425.1).
Genomic context (GRCh38, chr3:127,014,574, plus strand): 5'-CGGCTCACTATCACAGGCGAGAACCTGGGCCTGCGATTCGAAGACGTGCGTCTGGGCGTG[C>T]GCGTGGGCAAGGTGCTGTGCAGCCCTGTGGAGAGCGAGTACATCAGTGCGGAGCAGTGAG-3'
Protein context (NP_115618.3, residues 891-911): LRFEDVRLGV[Arg901Cys]VGKVLCSPVE

ClinVar aggregate classification (germline): Uncertain significance (1 of 4 stars; one submission).

Conditions:
PLXNA1-related disorder. Also called: PLXNA1-related condition.

gnomAD v4.1: 8 of 1,612,820 alleles (0.0005%); highest among the groups gnomAD compares: African/African-American, 0.0053%; no homozygotes.

Submission:

PreventionGenetics, part of Exact Sciences
Classification: Uncertain significance for PLXNA1-related condition. Last evaluated: 2026-09-01. Review status: criteria provided, single submitter. Criteria: ACMG Guidelines, 2015. Collection method: clinical testing. Allele origin: germline.
Comment: The PLXNA1 c.2701C>T variant is predicted to result in the amino acid substitution p.Arg901Cys. To our knowledge, this variant has not been reported in the literature. This variant is reported in 0.0062% of alleles in individuals of African descent in gnomAD. At this time, the clinical significance of this variant is uncertain due to the absence of conclusive functional and genetic evidence.